The following is an entry in ClinVar:

NM_006231.4(POLE):c.2621A>G (p.Glu874Gly)

Gene: POLE (DNA polymerase epsilon, catalytic subunit; minus strand). Cytogenetic location: 12q24.33.
Variant type: single nucleotide variant.
Coding change: c.2621A>G on transcript NM_006231.4 (MANE Select); coding-DNA position 2621, A replaced by G.
Protein change: p.Glu874Gly; replaces glutamic acid 874 with glycine.
Molecular consequence: missense variant.
Genome position (GRCh38, 1-based): chr12:132,664,089, T>C on the plus strand (A>G on the coding strand, the complement: POLE is on the minus strand). VCF-style: chr12-132664089-T-C. GRCh37 (hg19) VCF-style: chr12-133240675-T-C.
Other names: short protein forms E874G.
Identifiers: ClinVar variation 4671771 (VCV004671771.1).

ClinVar aggregate classification (germline): Uncertain significance (1 of 4 stars; one submission).

Conditions:
Hereditary cancer-predisposing syndrome. Also called: Neoplastic Syndromes, Hereditary; Tumor predisposition; Hereditary Cancer Syndrome; Hereditary neoplastic syndrome. Identifiers: Orphanet 140162, MedGen C0027672, MeSH D009386, MONDO:0015356.

Submission:

Ambry Genetics
Classification: Uncertain significance for Hereditary cancer-predisposing syndrome. Last evaluated: 2025-10-05. Review status: criteria provided, single submitter. Criteria: Ambry Variant Classification Scheme 2023. Collection method: clinical testing. Allele origin: germline.
Comment: The p.E874G variant (also known as c.2621A>G), located in coding exon 23 of the POLE gene, results from an A to G substitution at nucleotide position 2621. The glutamic acid at codon 874 is replaced by glycine, an amino acid with similar properties. This amino acid position is conserved. In addition, the in silico prediction for this alteration is inconclusive. Based on the available evidence, the clinical significance of this variant remains unclear.